The following is an entry in ClinVar:

NM_001378454.1(ALMS1):c.1568G>A (p.Ser523Asn)

Gene: ALMS1 (ALMS1 centrosome and basal body associated protein; plus strand). Cytogenetic location: 2p13.1.
Variant type: single nucleotide variant.
Coding change: c.1568G>A on transcript NM_001378454.1 (MANE Select); coding-DNA position 1568, G replaced by A.
Protein change: p.Ser523Asn; replaces serine 523 with asparagine.
Molecular consequence: missense variant.
Genome position (GRCh38, 1-based): chr2:73,448,095, G>A. VCF-style: chr2-73448095-G-A. GRCh37 (hg19) VCF-style: chr2-73675225-G-A.
Other names: c.1571G>A, p.Ser524Asn (NM_015120.4); short protein forms S524N, S523N.
Identifiers: ClinVar variation 1974182 (VCV001974182.2), dbSNP rs2466091546, ClinGen allele CA347264791.
Genomic context (GRCh38, chr2:73,448,095, plus strand): 5'-ATTCAGACATTGGATCTCATTTATCCTTGTCCCTTGAGGACCTGTCTCAGTTGGCTGTAA[G>A]TTCTCCTCTAGAAACTACTACTGGTCAACACACTGATACTCTCAACCAAAAGACATTAGC-3'
Protein context (NP_001365383.1, residues 513-533): SLEDLSQLAV[Ser523Asn]SPLETTTGQH

ClinVar aggregate classification (germline): Uncertain significance (1 of 4 stars; one submission).

Conditions:
Alstrom syndrome (ALMS). Identifiers: Orphanet 64, MedGen C0268425, MONDO:0008763, OMIM 203800.

Submission:

Labcorp Genetics (formerly Invitae), Labcorp
Classification: Uncertain significance for Alstrom syndrome. Last evaluated: 2022-09-27. Review status: criteria provided, single submitter. Criteria: Invitae Variant Classification Sherloc (09022015). Collection method: clinical testing. Allele origin: germline.
Comment: This sequence change replaces serine, which is neutral and polar, with asparagine, which is neutral and polar, at codon 524 of the ALMS1 protein (p.Ser524Asn). This variant is not present in population databases (gnomAD no frequency). This variant has not been reported in the literature in individuals affected with ALMS1-related conditions. Experimental studies and prediction algorithms are not available or were not evaluated, and the functional significance of this variant is currently unknown. In summary, the available evidence is currently insufficient to determine the role of this variant in disease. Therefore, it has been classified as a Variant of Uncertain Significance.